The following is an entry in ClinVar:

NM_153717.3(EVC):c.2770C>T (p.Arg924Cys)

Gene: EVC (EvC ciliary complex subunit 1; plus strand). Cytogenetic location: 4p16.2.
Variant type: single nucleotide variant.
Coding change: c.2770C>T on transcript NM_153717.3 (MANE Select); coding-DNA position 2770, C replaced by T.
Protein change: p.Arg924Cys; replaces arginine 924 with cysteine.
Molecular consequence: missense variant.
Genome position (GRCh38, 1-based): chr4:5,809,599, C>T. VCF-style: chr4-5809599-C-T. GRCh37 (hg19) VCF-style: chr4-5811326-C-T.
Other names: c.2770C>T (NM_153717.2); c.2770C>T, p.Arg924Cys (NM_001306090.2); short protein forms R924C.
Identifiers: ClinVar variation 1058559 (VCV001058559.9), dbSNP rs772327981, ClinGen allele CA2836678.

ClinVar aggregate classification (germline): Uncertain significance. Review status: criteria provided, multiple submitters, no conflicts (2 of 4 stars). 3 submissions from 3 submitters: Uncertain significance (2). 1 of the submissions does not count toward it. Last evaluated 2024-08-05.

Conditions:
Ellis-van Creveld syndrome (EVC). Also called: EVC-Related Ellis-van Creveld Syndrome; EVC2-Related Ellis-van Creveld Syndrome; Chondroectodermal dysplasia; MESOECTODERMAL DYSPLASIA. Identifiers: Orphanet 289, MedGen C0013903, MONDO:0009162, OMIM 225500.
Inborn genetic diseases. Identifiers: MedGen C0950123, MeSH D030342.
Curry-Hall syndrome (WAD). Also called: WEYERS ACRODENTAL DYSOSTOSIS. Identifiers: Orphanet 952, MedGen C0457013, MONDO:0008673, OMIM 193530.

Allele frequency attached by ClinVar (database versions not stated): ExAC 0.00001; gnomAD exomes 0.00001; gnomAD 0.00002; TOPMed 0.00002.
gnomAD v4.1: 25 of 1,613,986 alleles (0.0015%); highest among the groups gnomAD compares: Non-Finnish European, 0.0019%; no homozygotes.

Submissions (3):

Ambry Genetics
Classification: Uncertain significance for Inborn genetic diseases. Last evaluated: 2024-08-05. Review status: criteria provided, single submitter. Criteria: Ambry Variant Classification Scheme 2023. Collection method: clinical testing. Allele origin: germline.

Labcorp Genetics (formerly Invitae), Labcorp
Classification: Uncertain significance for Curry-Hall syndrome; Ellis-van Creveld syndrome. Last evaluated: 2021-08-27. Review status: criteria provided, single submitter. Criteria: Invitae Variant Classification Sherloc (09022015). Collection method: clinical testing. Allele origin: germline.
Comment: This sequence change replaces arginine with cysteine at codon 924 of the EVC protein (p.Arg924Cys). The arginine residue is moderately conserved and there is a large physicochemical difference between arginine and cysteine. This variant is present in population databases (rs772327981, ExAC 0.002%). This variant has not been reported in the literature in individuals affected with EVC-related conditions. Algorithms developed to predict the effect of missense changes on protein structure and function are either unavailable or do not agree on the potential impact of this missense change (SIFT: "Deleterious"; PolyPhen-2: "Probably Damaging"; Align-GVGD: "Class C0"). In summary, the available evidence is currently insufficient to determine the role of this variant in disease. Therefore, it has been classified as a Variant of Uncertain Significance.

Natera, Inc.
Classification: Uncertain significance for Ellis-van Creveld syndrome. Last evaluated: 2020-03-03. Review status: no assertion criteria provided. Collection method: clinical testing. Allele origin: germline. Not counted in ClinVar's aggregate classification.